The following is an entry in ClinVar:

ClinVar aggregate classification (germline): Likely benign. Review status: criteria provided, single submitter (1 of 4 stars). 2 submissions from 2 submitters: Likely benign (1). 1 of the submissions does not count toward it. Last evaluated 2026-08-01.

Allele frequency attached by ClinVar (database versions not stated): ExAC 0.00003; gnomAD exomes 0.00003 and 0.00009; gnomAD 0.00004 and 0.00005; 1000 Genomes Project 0.00020.
gnomAD v4.1: 115 of 1,283,276 alleles (0.009%); highest among the groups gnomAD compares: Non-Finnish European, 0.01%; 34 homozygotes.

Submissions (2):

CeGaT Center for Human Genetics Tuebingen
Classification: Likely benign. Last evaluated: 2026-08-01. Review status: criteria provided, single submitter. Criteria: CeGaT Center For Human Genetics Tuebingen Variant Classification Criteria Version 2. Collection method: clinical testing. Allele origin: germline. Affected: yes. Observed: 1 variant allele.
Comment: RHCE: BP4, BS2

ClinVar Staff, National Center for Biotechnology Information (NCBI)
No classification provided. Review status: no classification provided. Collection method: not provided. Allele origin: not provided. Not counted in ClinVar's aggregate classification.

NM_020485.8(RHCE):c.178C>A (p.Leu60Ile)

Gene: RHCE (Rh blood group CcEe antigens; minus strand). Cytogenetic location: 1p36.11.
Variant type: single nucleotide variant.
Coding change: c.178C>A on transcript NM_020485.8 (MANE Select); coding-DNA position 178, C replaced by A.
Protein change: p.Leu60Ile; replaces leucine 60 with isoleucine.
Molecular consequence: missense variant.
Genome position (GRCh38, 1-based): chr1:25,408,840, G>T on the plus strand (C>A on the coding strand, the complement: RHCE is on the minus strand). VCF-style: chr1-25408840-G-T. GRCh37 (hg19) VCF-style: chr1-25735331-G-T.
Other names: c.178C>A, p.Leu60Ile (NM_001330430.4, NM_138616.5, NM_138617.5 and 1 more transcripts); short protein forms L60I.
Identifiers: ClinVar variation 156357 (VCV000156357.2), dbSNP rs181860403, ClinGen allele CA233209.
Genomic context (GRCh38, chr1:25,408,840, plus strand): 5'-TGAAGGCCACACTGCTCCAGCTGTGTCTCCGGAAATTTGAGGTGAGGAAGCCCAAGCCAA[G>T]GGCCGCCATCACGGTCAGATCTTGGCCGACTGCTCGGTGGGGAGATGGTGAGAAGGAGGA-3'
Protein context (NP_065231.4, residues 50-70): VGQDLTVMAA[Leu60Ile]GLGFLTSNFR